The following is an entry in ClinVar:

NM_003954.5(MAP3K14):c.2326+4C>T

Genes: MAP3K14 (mitogen-activated protein kinase kinase kinase 14; minus strand), MAP3K14-AS1 (MAP3K14 antisense RNA 1; plus strand), LOC126862575 (CDK7 strongly-dependent group 2 enhancer GRCh37_chr17:43344006-43345205; plus strand). Cytogenetic location: 17q21.31.
Variant type: single nucleotide variant.
Coding change: c.2326+4C>T on transcript NM_003954.5 (MANE Select); 4 bases into the intron after coding-DNA position 2326, C replaced by T.
Molecular consequence: intron variant.
Genome position (GRCh38, 1-based): chr17:45,267,402, G>A on the plus strand (C>T on the coding strand, the complement: MAP3K14 is on the minus strand). VCF-style: chr17-45267402-G-A. GRCh37 (hg19) VCF-style: chr17-43344769-G-A.
Identifiers: ClinVar variation 859718 (VCV000859718.6), dbSNP rs56907763, ClinGen allele CA8613908.

ClinVar aggregate classification (germline): Uncertain significance (1 of 4 stars; one submission).

Conditions:
NIK deficiency. Also called: Primary immunodeficiency with multifaceted aberrant lymphoid immunity. Identifiers: Orphanet 447731, MedGen C5680065, MONDO:0018642.

Allele frequency attached by ClinVar (database versions not stated): gnomAD exomes 0.00006 and 0.00015; ExAC 0.00028; ESP Exome Variant Server 0.00049; gnomAD 0.00052 and 0.00056; 1000 Genomes Project 0.00060; 1000 Genomes Project 30x 0.00062; TOPMed 0.00062.
gnomAD v4.1: 161 of 1,582,224 alleles (0.01%); highest among the groups gnomAD compares: African/African-American, 0.18%; no homozygotes.

Submission:

Labcorp Genetics (formerly Invitae), Labcorp
Classification: Uncertain significance for NIK deficiency. Last evaluated: 2024-01-25. Review status: criteria provided, single submitter. Criteria: Invitae Variant Classification Sherloc (09022015). Collection method: clinical testing. Allele origin: germline.
Comment: This sequence change falls in intron 12 of the MAP3K14 gene. It does not directly change the encoded amino acid sequence of the MAP3K14 protein. It affects a nucleotide within the consensus splice site. This variant is present in population databases (rs56907763, gnomAD 0.2%). This variant has not been reported in the literature in individuals affected with MAP3K14-related conditions. ClinVar contains an entry for this variant (Variation ID: 859718). Variants that disrupt the consensus splice site are a relatively common cause of aberrant splicing (PMID: 17576681, 9536098). Algorithms developed to predict the effect of sequence changes on RNA splicing suggest that this variant is not likely to affect RNA splicing. In summary, the available evidence is currently insufficient to determine the role of this variant in disease. Therefore, it has been classified as a Variant of Uncertain Significance.

Literature cited by the submitters: PubMed 17576681; PubMed 9536098.